The following is an entry in ClinVar:

NM_153816.6(SNX14):c.1345C>T (p.Leu449Phe)

Gene: SNX14 (sorting nexin 14; minus strand). Cytogenetic location: 6q14.3.
Variant type: single nucleotide variant.
Coding change: c.1345C>T on transcript NM_153816.6 (MANE Select); coding-DNA position 1345, C replaced by T.
Protein change: p.Leu449Phe; replaces leucine 449 with phenylalanine.
Molecular consequence: missense variant. On other transcripts: non-coding transcript variant (6).
Genome position (GRCh38, 1-based): chr6:85,543,226, G>A on the plus strand (C>T on the coding strand, the complement: SNX14 is on the minus strand). VCF-style: chr6-85543226-G-A. GRCh37 (hg19) VCF-style: chr6-86252944-G-A.
Other names: c.1345C>T, p.Leu449Phe (NM_001297614.3, NM_001350540.2, NM_001350541.2); c.1189C>T, p.Leu397Phe (NM_001304479.2); c.1408C>T, p.Leu470Phe (NM_001350532.2); c.1342C>T, p.Leu448Phe (NM_001350533.2, NM_001350534.2, NM_001350535.2); c.1213C>T, p.Leu405Phe (NM_001350536.2, NM_020468.6); c.1210C>T, p.Leu404Phe (NM_001350537.2); c.1201C>T, p.Leu401Phe (NM_001350538.2); c.1186C>T, p.Leu396Phe (NM_001350539.2); and 7 more; short protein forms L301F, L349F, L352F, L353F, L396F, L397F, L401F, L404F.
Identifiers: ClinVar variation 2636240 (VCV002636240.2), dbSNP rs1037015079, ClinGen allele CA142027379.
Genomic context (GRCh38, chr6:85,543,226, plus strand): 5'-TAATATTTTGACTTACCTCATCACTATGGCAGAACATAGGAGTAAATACATTCTCCAAAA[G>A]GGAAAGAACATGTTCATATGCTTCAAAAAGACATCTCATAGTTTGAAGTTTCACAACATC-3'
Protein context (NP_722523.1, residues 439-459): LFEAYEHVLS[Leu449Phe]LENVFTPMFC

ClinVar aggregate classification (germline): Uncertain significance. Review status: criteria provided, multiple submitters, no conflicts (2 of 4 stars). 2 submissions from 2 submitters: Uncertain significance (2). Last evaluated 2025-10-18.

Conditions:
Inborn genetic diseases. Identifiers: MedGen C0950123, MeSH D030342.
SNX14-related disorder. Also called: SNX14-related condition.

Allele frequency attached by ClinVar (database versions not stated): TOPMed 0.00002; gnomAD 0.00001; gnomAD exomes 0.00001.

Submissions (2):

Ambry Genetics
Classification: Uncertain significance for Inborn genetic diseases. Last evaluated: 2025-10-18. Review status: criteria provided, single submitter. Criteria: Ambry Variant Classification Scheme 2023. Collection method: clinical testing. Allele origin: germline.

PreventionGenetics, part of Exact Sciences
Classification: Uncertain significance for SNX14-related condition. Last evaluated: 2022-11-02. Review status: criteria provided, single submitter. Criteria: ACMG Guidelines, 2015. Collection method: clinical testing. Allele origin: germline.
Comment: The SNX14 c.1345C>T variant is predicted to result in the amino acid substitution p.Leu449Phe. To our knowledge, this variant has not been reported in the literature or in a large population database, indicating this variant is rare. At this time, the clinical significance of this variant is uncertain due to the absence of conclusive functional and genetic evidence.